The following is an entry in ClinVar:

NM_001145358.2(SIN3A):c.2789T>G (p.Val930Gly)

Gene: SIN3A (SIN3 transcription regulator family member A; minus strand). Cytogenetic location: 15q24.2.
Variant type: single nucleotide variant.
Coding change: c.2789T>G on transcript NM_001145358.2 (MANE Select); coding-DNA position 2789, T replaced by G.
Protein change: p.Val930Gly; replaces valine 930 with glycine.
Molecular consequence: missense variant.
Genome position (GRCh38, 1-based): chr15:75,392,304, A>C on the plus strand (T>G on the coding strand, the complement: SIN3A is on the minus strand). VCF-style: chr15-75392304-A-C. GRCh37 (hg19) VCF-style: chr15-75684645-A-C.
Other names: c.2789T>G, p.Val930Gly (NM_001145357.2, NM_015477.3); short protein forms V930G.
Identifiers: ClinVar variation 3711986 (VCV003711986.2).

ClinVar aggregate classification (germline): Uncertain significance (1 of 4 stars; one submission).

Submission:

Labcorp Genetics (formerly Invitae), Labcorp
Classification: Uncertain significance. Last evaluated: 2024-10-02. Review status: criteria provided, single submitter. Criteria: Invitae Variant Classification Sherloc (09022015). Collection method: clinical testing. Allele origin: germline.
Comment: This sequence change replaces valine, which is neutral and non-polar, with glycine, which is neutral and non-polar, at codon 930 of the SIN3A protein (p.Val930Gly). This variant is not present in population databases (gnomAD no frequency). This variant has not been reported in the literature in individuals affected with SIN3A-related conditions. Invitae Evidence Modeling of protein sequence and biophysical properties (such as structural, functional, and spatial information, amino acid conservation, physicochemical variation, residue mobility, and thermodynamic stability) indicates that this missense variant is not expected to disrupt SIN3A protein function with a negative predictive value of 80%. In summary, the available evidence is currently insufficient to determine the role of this variant in disease. Therefore, it has been classified as a Variant of Uncertain Significance.